The following is an entry in ClinVar:

NM_004655.4(AXIN2):c.2455G>A (p.Glu819Lys)

Gene: AXIN2 (axin 2; minus strand). Cytogenetic location: 17q24.1.
Variant type: single nucleotide variant.
Coding change: c.2455G>A on transcript NM_004655.4 (MANE Select); coding-DNA position 2455, G replaced by A.
Protein change: p.Glu819Lys; replaces glutamic acid 819 with lysine.
Molecular consequence: missense variant.
Genome position (GRCh38, 1-based): chr17:65,530,053, C>T on the plus strand (G>A on the coding strand, the complement: AXIN2 is on the minus strand). VCF-style: chr17-65530053-C-T. GRCh37 (hg19) VCF-style: chr17-63526171-C-T.
Other names: c.2260G>A, p.Glu754Lys (NM_001363813.1); short protein forms E819K, E754K.
Identifiers: ClinVar variation 5032553 (VCV005032553.1).

ClinVar aggregate classification (germline): Uncertain significance (1 of 4 stars; one submission).

Conditions:
Hereditary cancer-predisposing syndrome. Also called: Neoplastic Syndromes, Hereditary; Tumor predisposition; Hereditary neoplastic syndrome; Hereditary Cancer Syndrome. Identifiers: Orphanet 140162, MedGen C0027672, MeSH D009386, MONDO:0015356.

Submission:

Ambry Genetics
Classification: Uncertain significance for Hereditary cancer-predisposing syndrome. Last evaluated: 2026-07-06. Review status: criteria provided, single submitter. Criteria: Ambry Variant Classification Scheme 2023. Collection method: clinical testing. Allele origin: germline.
Comment: The p.E819K variant (also known as c.2455G>A), located in coding exon 10 of the AXIN2 gene, results from a G to A substitution at nucleotide position 2455. The glutamic acid at codon 819 is replaced by lysine, an amino acid with similar properties. This amino acid position is conserved. In addition, this alteration is predicted to be deleterious by in silico analysis. Based on the available evidence, the clinical significance of this variant remains unclear.